The following is an entry in ClinVar:

ClinVar aggregate classification (germline): Conflicting classifications of pathogenicity. Review status: criteria provided, conflicting classifications (1 of 4 stars). 3 submissions from 3 submitters: Uncertain significance (2); Likely benign (1). Last evaluated 2026-04-08.

Conditions:
ADNP-related multiple congenital anomalies - intellectual disability - autism spectrum disorder. Also called: ADNP-Related Helsmoortel-Van der Aa Syndrome; Helsmoortel-Van der Aa Syndrome. Identifiers: Orphanet 404448, MedGen C4014538, MONDO:0014379, OMIM 615873. Disease mechanism: loss of function.
ADNP-related disorder. Also called: ADNP-related condition.

Submissions (3):

PreventionGenetics, part of Exact Sciences
Classification: Uncertain significance for ADNP-related condition. Last evaluated: 2026-04-08. Review status: criteria provided, single submitter. Criteria: ACMG Guidelines, 2015. Collection method: clinical testing. Allele origin: germline.
Comment: The ADNP c.2815A>T variant is predicted to result in the amino acid substitution p.Ile939Phe. To our knowledge, this variant has not been reported in the literature or in a large population database (gnomAD), indicating this variant is rare. Although we suspect that this variant may be benign, at this time, the clinical significance of this variant is uncertain due to the absence of conclusive functional and genetic evidence.

3billion
Classification: Likely benign for ADNP-related multiple congenital anomalies - intellectual disability - autism spectrum disorder. Last evaluated: 2024-09-20. Review status: criteria provided, single submitter. Criteria: ACMG Guidelines, 2015. Collection method: clinical testing. Allele origin: germline. Affected: no.
Comment: The variant was identified in at least one patient who was diagnosed with a different variant in another gene and showed no symptoms related to the gene containing the variant in question.

GeneDx
Classification: Uncertain significance. Last evaluated: 2022-05-09. Review status: criteria provided, single submitter. Criteria: GeneDx Variant Classification Process June 2021. Collection method: clinical testing. Allele origin: germline. Affected: yes.
Comment: Not observed at significant frequency in large population cohorts (gnomAD); In silico analysis supports that this missense variant does not alter protein structure/function; Has not been previously published as pathogenic or benign to our knowledge

NM_001282531.3(ADNP):c.2815A>T (p.Ile939Phe)

Gene: ADNP (activity dependent neuroprotector homeobox; minus strand). Cytogenetic location: 20q13.13.
Variant type: single nucleotide variant.
Coding change: c.2815A>T on transcript NM_001282531.3 (MANE Select); coding-DNA position 2815, A replaced by T.
Protein change: p.Ile939Phe; replaces isoleucine 939 with phenylalanine.
Molecular consequence: missense variant.
Genome position (GRCh38, 1-based): chr20:50,891,899, T>A on the plus strand (A>T on the coding strand, the complement: ADNP is on the minus strand). VCF-style: chr20-50891899-T-A. GRCh37 (hg19) VCF-style: chr20-49508436-T-A.
Other names: c.2815A>T (NM_001282531.2); c.2815A>T, p.Ile939Phe (NM_001282532.2, NM_001347511.2, NM_015339.5 and 1 more transcripts); short protein forms I939F.
Identifiers: ClinVar variation 1723481 (VCV001723481.4), dbSNP rs201104498, ClinGen allele CA408967734.
Genomic context (GRCh38, chr20:50,891,899, plus strand): 5'-GGTCAACCTCACTATCAGATGCATTGTGCATTAGTTTGGTTGGTTCCTCAGTCAAATGAA[T>A]AGTTTCGTATTTTGAACCATCCTCTTTTTGGTCTAGCTTCTCCTCAGATTCTGAAGCATC-3'
Protein context (NP_001269460.1, residues 929-949): QKEDGSKYET[Ile939Phe]HLTEEPTKLM